The following is an entry in ClinVar:

ClinVar aggregate classification (germline): Uncertain significance. Review status: criteria provided, multiple submitters, no conflicts (2 of 4 stars). 2 submissions from 2 submitters: Uncertain significance (2). Last evaluated 2024-08-20.

Conditions:
Inborn genetic diseases. Identifiers: MedGen C0950123, MeSH D030342.
Hyperaldosteronism, familial, type IV (HALD4). Also called: FH IV; ALDOSTERONISM, PRIMARY, AND HYPERTENSION. Identifiers: Orphanet 642671, MedGen C4310756, MONDO:0014875, OMIM 617027.
Idiopathic generalized epilepsy. Also called: EIG; Generalised epilepsy. Identifiers: MedGen C0270850, MONDO:0005579, OMIM 600669.

Allele frequency attached by ClinVar (database versions not stated): gnomAD 0.00001; TOPMed 0.00001.
gnomAD v4.1: 5 of 1,546,792 alleles (0.00032%); highest among the groups gnomAD compares: African/African-American, 0.0014%; no homozygotes.

Submissions (2):

Ambry Genetics
Classification: Uncertain significance for Inborn genetic diseases. Last evaluated: 2024-08-20. Review status: criteria provided, single submitter. Criteria: Ambry Variant Classification Scheme 2023. Collection method: clinical testing. Allele origin: germline.

Labcorp Genetics (formerly Invitae), Labcorp
Classification: Uncertain significance for Idiopathic generalized epilepsy; Hyperaldosteronism, familial, type IV. Last evaluated: 2023-12-28. Review status: criteria provided, single submitter. Criteria: Invitae Variant Classification Sherloc (09022015). Collection method: clinical testing. Allele origin: germline.
Comment: This sequence change replaces proline, which is neutral and non-polar, with leucine, which is neutral and non-polar, at codon 500 of the CACNA1H protein (p.Pro500Leu). The frequency data for this variant in the population databases is considered unreliable, as metrics indicate poor data quality at this position in the gnomAD database. This variant has not been reported in the literature in individuals affected with CACNA1H-related conditions. Advanced modeling of protein sequence and biophysical properties (such as structural, functional, and spatial information, amino acid conservation, physicochemical variation, residue mobility, and thermodynamic stability) performed at Invitae indicates that this missense variant is not expected to disrupt CACNA1H protein function with a negative predictive value of 80%. In summary, the available evidence is currently insufficient to determine the role of this variant in disease. Therefore, it has been classified as a Variant of Uncertain Significance.

NM_021098.3(CACNA1H):c.1499C>T (p.Pro500Leu)

Gene: CACNA1H (calcium voltage-gated channel subunit alpha1 H; plus strand). Cytogenetic location: 16p13.3.
Variant type: single nucleotide variant.
Coding change: c.1499C>T on transcript NM_021098.3 (MANE Select); coding-DNA position 1499, C replaced by T.
Protein change: p.Pro500Leu; replaces proline 500 with leucine.
Molecular consequence: missense variant.
Genome position (GRCh38, 1-based): chr16:1,201,949, C>T. VCF-style: chr16-1201949-C-T. GRCh37 (hg19) VCF-style: chr16-1251949-C-T.
Other names: c.1499C>T (NM_021098.2); c.1499C>T, p.Pro500Leu (NM_001005407.2); short protein forms P500L.
Identifiers: ClinVar variation 2943952 (VCV002943952.4), dbSNP rs1467617108, ClinGen allele CA394161059.